The following is an entry in ClinVar:

NM_001253.4(CDC5L):c.1842C>G (p.Thr614=)

Gene: CDC5L (cell division cycle 5 like; plus strand). Cytogenetic location: 6p21.1.
Variant type: single nucleotide variant.
Coding change: c.1842C>G on transcript NM_001253.4 (MANE Select); coding-DNA position 1842, C replaced by G.
Protein change: p.Thr614=; no amino-acid change (threonine 614 retained).
Molecular consequence: synonymous variant.
Genome position (GRCh38, 1-based): chr6:44,426,673, C>G. VCF-style: chr6-44426673-C-G. GRCh37 (hg19) VCF-style: chr6-44394410-C-G.
Identifiers: ClinVar variation 4980298 (VCV004980298.1).

ClinVar aggregate classification (germline): Likely benign (1 of 4 stars; one submission).

Conditions:
CDC5L-related disorder. Also called: CDC5L-related condition.

gnomAD v4.1: 32 of 1,612,378 alleles (0.002%); highest among the groups gnomAD compares: East Asian, 0.049%; no homozygotes.

Submission:

PreventionGenetics, part of Exact Sciences
Classification: Likely benign for CDC5L-related condition. Last evaluated: 2025-07-15. Review status: criteria provided, single submitter. Criteria: ACMG Guidelines, 2015. Collection method: clinical testing. Allele origin: germline.
Comment: This variant is classified as likely benign based on ACMG/AMP sequence variant interpretation guidelines (Richards et al. 2015 PMID: 25741868, with internal and published modifications).